The following is an entry in ClinVar:

NM_007144.3(PCGF2):c.343G>A (p.Gly115Ser)

Gene: PCGF2 (polycomb group ring finger 2; minus strand). Cytogenetic location: 17q12.
Variant type: single nucleotide variant.
Coding change: c.343G>A on transcript NM_007144.3 (MANE Select); coding-DNA position 343, G replaced by A.
Protein change: p.Gly115Ser; replaces glycine 115 with serine.
Molecular consequence: missense variant.
Genome position (GRCh38, 1-based): chr17:38,738,835, C>T on the plus strand (G>A on the coding strand, the complement: PCGF2 is on the minus strand). VCF-style: chr17-38738835-C-T. GRCh37 (hg19) VCF-style: chr17-36895088-C-T.
Other names: c.343G>A, p.Gly115Ser (NM_001369614.1, NM_001369615.1); short protein forms G115S.
Identifiers: ClinVar variation 3305107 (VCV003305107.3).

ClinVar aggregate classification (germline): Uncertain significance. Review status: criteria provided, multiple submitters, no conflicts (2 of 4 stars). 2 submissions from 2 submitters: Uncertain significance (2). Last evaluated 2025-01-23.

Conditions:
Inborn genetic diseases. Identifiers: MedGen C0950123, MeSH D030342.

gnomAD v4.1: 14 of 1,614,000 alleles (0.00087%); highest among the groups gnomAD compares: Admixed American, 0.0017%; no homozygotes.

Submissions (2):

Labcorp Genetics (formerly Invitae), Labcorp
Classification: Uncertain significance. Last evaluated: 2025-01-23. Review status: criteria provided, single submitter. Criteria: Invitae Variant Classification Sherloc (09022015). Collection method: clinical testing. Allele origin: germline.
Comment: This sequence change replaces glycine, which is neutral and non-polar, with serine, which is neutral and polar, at codon 115 of the PCGF2 protein (p.Gly115Ser). This variant is present in population databases (rs778419447, gnomAD 0.003%). This variant has not been reported in the literature in individuals affected with PCGF2-related conditions. Invitae Evidence Modeling of protein sequence and biophysical properties (such as structural, functional, and spatial information, amino acid conservation, physicochemical variation, residue mobility, and thermodynamic stability) indicates that this missense variant is not expected to disrupt PCGF2 protein function with a negative predictive value of 80%. In summary, the available evidence is currently insufficient to determine the role of this variant in disease. Therefore, it has been classified as a Variant of Uncertain Significance.

Ambry Genetics
Classification: Uncertain significance for Inborn genetic diseases. Last evaluated: 2024-04-20. Review status: criteria provided, single submitter. Criteria: Ambry Variant Classification Scheme 2023. Collection method: clinical testing. Allele origin: germline.